The following is an entry in ClinVar:

NM_001365536.1(SCN9A):c.1689T>A (p.Asp563Glu)

Genes: SCN9A (sodium voltage-gated channel alpha subunit 9; minus strand), SCN1A-AS1 (SCN1A and SCN9A antisense RNA 1; plus strand). Cytogenetic location: 2q24.3.
Variant type: single nucleotide variant.
Coding change: c.1689T>A on transcript NM_001365536.1 (MANE Select); coding-DNA position 1689, T replaced by A.
Protein change: p.Asp563Glu; replaces aspartic acid 563 with glutamic acid.
Molecular consequence: missense variant.
Genome position (GRCh38, 1-based): chr2:166,284,738, A>T on the plus strand (T>A on the coding strand, the complement: SCN9A is on the minus strand). VCF-style: chr2-166284738-A-T. GRCh37 (hg19) VCF-style: chr2-167141248-A-T.
Other names: c.1689T>A, p.Asp563Glu (NM_002977.4); short protein forms D563E.
Identifiers: ClinVar variation 2945340 (VCV002945340.3), dbSNP rs1697657270, ClinGen allele CA349083768.

ClinVar aggregate classification (germline): Uncertain significance (1 of 4 stars; one submission).

Conditions:
Neuropathy, hereditary sensory and autonomic, type 2A (HSAN2A). Also called: HSAN IIA; WNK1-Related HSAN2 (HSAN2A); ACROOSTEOLYSIS, GIACCAI TYPE; ACROOSTEOLYSIS, NEUROGENIC; MORVAN DISEASE; NEUROPATHY, CONGENITAL SENSORY. Identifiers: Orphanet 970, MedGen C2752089, MONDO:0024309, OMIM 201300.
Generalized epilepsy with febrile seizures plus, type 7 (GEFSP7). Also called: GEFS+, TYPE 7. Identifiers: Orphanet 36387, MedGen C2751778, MONDO:0013470, OMIM 613863.

Submission:

Labcorp Genetics (formerly Invitae), Labcorp
Classification: Uncertain significance for Neuropathy, hereditary sensory and autonomic, type 2A; Generalized epilepsy with febrile seizures plus, type 7. Last evaluated: 2023-09-01. Review status: criteria provided, single submitter. Criteria: Invitae Variant Classification Sherloc (09022015). Collection method: clinical testing. Allele origin: germline.
Comment: In summary, the available evidence is currently insufficient to determine the role of this variant in disease. Therefore, it has been classified as a Variant of Uncertain Significance. Advanced modeling of protein sequence and biophysical properties (such as structural, functional, and spatial information, amino acid conservation, physicochemical variation, residue mobility, and thermodynamic stability) performed at Invitae indicates that this missense variant is not expected to disrupt SCN9A protein function. This variant has not been reported in the literature in individuals affected with SCN9A-related conditions. This variant is not present in population databases (gnomAD no frequency). This sequence change replaces aspartic acid, which is acidic and polar, with glutamic acid, which is acidic and polar, at codon 563 of the SCN9A protein (p.Asp563Glu).